The following is an entry in ClinVar:

ClinVar aggregate classification (germline): Uncertain significance. Review status: criteria provided, multiple submitters, no conflicts (2 of 4 stars). 3 submissions from 3 submitters: Uncertain significance (2). 1 of the submissions does not count toward it. Last evaluated 2024-12-26.

Conditions:
PLG-related disorder. Also called: PLG-related condition.
Dysplasminogenemia. Identifiers: MedGen CN043003, MONDO:0100538.

Allele frequency attached by ClinVar (database versions not stated): gnomAD 0.00001; gnomAD exomes 0.00001 and 0.00002; ExAC 0.00002.
gnomAD v4.1: 16 of 1,613,844 alleles (0.00099%); highest among the groups gnomAD compares: Non-Finnish European, 0.0012%; no homozygotes.

Submissions (3):

PreventionGenetics, part of Exact Sciences
Classification: Uncertain significance for PLG-related condition. Last evaluated: 2024-12-26. Review status: criteria provided, single submitter. Criteria: ACMG Guidelines, 2015. Collection method: clinical testing. Allele origin: germline.
Comment: The PLG c.2251G>A variant is predicted to result in the amino acid substitution p.Gly751Arg. This variant has been reported in three individuals from a family with low plasminogen activity (Higuchi et al. 1998. PubMed ID: 9858247). This variant is reported in 0.0096% of alleles in individuals of Ashkenazi Jewish descent in gnomAD. Although we suspect that this variant may be pathogenic, at this time, the clinical significance of this variant is uncertain due to the absence of conclusive functional and genetic evidence.

Labcorp Genetics (formerly Invitae), Labcorp
Classification: Uncertain significance. Last evaluated: 2024-11-15. Review status: criteria provided, single submitter. Criteria: Invitae Variant Classification Sherloc (09022015). Collection method: clinical testing. Allele origin: germline.
Comment: This sequence change replaces glycine, which is neutral and non-polar, with arginine, which is basic and polar, at codon 751 of the PLG protein (p.Gly751Arg). This variant is present in population databases (rs121918033, gnomAD 0.02%). This missense change has been observed in individual(s) with dysplasminogenemia (PMID: 9858247). This variant is also known as G732R. ClinVar contains an entry for this variant (Variation ID: 13580). Invitae Evidence Modeling of protein sequence and biophysical properties (such as structural, functional, and spatial information, amino acid conservation, physicochemical variation, residue mobility, and thermodynamic stability) indicates that this missense variant is not expected to disrupt PLG protein function with a negative predictive value of 80%. In summary, the available evidence is currently insufficient to determine the role of this variant in disease. Therefore, it has been classified as a Variant of Uncertain Significance.

OMIM
Classification: Pathogenic for DYSPLASMINOGENEMIA. Last evaluated: 1998-12-01. Review status: no assertion criteria provided. Collection method: literature only. Allele origin: germline. Not counted in ClinVar's aggregate classification.

Literature cited by the submitters: PubMed 9858247 (cited by Labcorp Genetics (formerly Invitae), Labcorp and OMIM).

NM_000301.5(PLG):c.2251G>A (p.Gly751Arg)

Gene: PLG (plasminogen; plus strand). Cytogenetic location: 6q26.
Variant type: single nucleotide variant.
Coding change: c.2251G>A on transcript NM_000301.5 (MANE Select); coding-DNA position 2251, G replaced by A.
Protein change: p.Gly751Arg; replaces glycine 751 with arginine.
Molecular consequence: missense variant.
Genome position (GRCh38, 1-based): chr6:160,752,240, G>A. VCF-style: chr6-160752240-G-A. GRCh37 (hg19) VCF-style: chr6-161173272-G-A.
Other names: G732R; c.2251G>A (NM_000301.3); short protein forms G751R.
Identifiers: ClinVar variation 13580 (VCV000013580.7), dbSNP rs121918033, ClinGen allele CA123277.